The following is an entry in ClinVar:

ClinVar aggregate classification (germline): Uncertain significance. Review status: criteria provided, multiple submitters, no conflicts (2 of 4 stars). 2 submissions from 2 submitters: Uncertain significance (2). Last evaluated 2021-09-29.

Conditions:
Hereditary cancer-predisposing syndrome. Also called: Tumor predisposition; Hereditary Cancer Syndrome; Neoplastic Syndromes, Hereditary; Hereditary neoplastic syndrome. Identifiers: Orphanet 140162, MedGen C0027672, MeSH D009386, MONDO:0015356.
Familial adenomatous polyposis 2. Also called: COLORECTAL ADENOMATOUS POLYPOSIS, AUTOSOMAL RECESSIVE; ADENOMAS, MULTIPLE COLORECTAL, AUTOSOMAL RECESSIVE; MYH-associated polyposis; FAP type 2; MUTYH-associated polyposis; MUTYH-related attenuated familial adenomatous polyposis. Identifiers: Orphanet 220460, Orphanet 247798, MedGen C3272841, MONDO:0012041, OMIM 608456.

gnomAD v4.1: 5 of 1,614,214 alleles (0.00031%); highest among the groups gnomAD compares: Non-Finnish European, 0.00042%; no homozygotes.

Submissions (2):

Ambry Genetics
Classification: Uncertain significance for Hereditary cancer-predisposing syndrome. Last evaluated: 2021-09-29. Review status: criteria provided, single submitter. Criteria: Ambry Variant Classification Scheme 2023. Collection method: clinical testing. Allele origin: germline.
Comment: The p.D105H variant (also known as c.313G>C), located in coding exon 3 of the MUTYH gene, results from a G to C substitution at nucleotide position 313. The aspartic acid at codon 105 is replaced by histidine, an amino acid with similar properties. This amino acid position is conserved. In addition, this alteration is predicted to be deleterious by in silico analysis. Since supporting evidence is limited at this time, the clinical significance of this alteration remains unclear.

Labcorp Genetics (formerly Invitae), Labcorp
Classification: Uncertain significance for Familial adenomatous polyposis 2. Last evaluated: 2021-04-05. Review status: criteria provided, single submitter. Criteria: Invitae Variant Classification Sherloc (09022015). Collection method: clinical testing. Allele origin: germline.
Comment: This variant is not present in population databases (ExAC no frequency). This sequence change replaces aspartic acid with histidine at codon 105 of the MUTYH protein (p.Asp105His). The aspartic acid residue is highly conserved and there is a moderate physicochemical difference between aspartic acid and histidine. In summary, the available evidence is currently insufficient to determine the role of this variant in disease. Therefore, it has been classified as a Variant of Uncertain Significance. Algorithms developed to predict the effect of missense changes on protein structure and function (SIFT, PolyPhen-2, Align-GVGD) all suggest that this variant is likely to be disruptive, but these predictions have not been confirmed by published functional studies and their clinical significance is uncertain. This variant has not been reported in the literature in individuals with MUTYH-related conditions.

NM_001048174.2(MUTYH):c.229G>C (p.Asp77His)

Gene: MUTYH (mutY DNA glycosylase; minus strand). Cytogenetic location: 1p34.1.
Variant type: single nucleotide variant.
Coding change: c.229G>C on transcript NM_001048174.2 (MANE Select); coding-DNA position 229, G replaced by C.
Protein change: p.Asp77His; replaces aspartic acid 77 with histidine.
Molecular consequence: missense variant. On other transcripts: 5 prime UTR variant (4), non-coding transcript variant (2).
Genome position (GRCh38, 1-based): chr1:45,333,448, C>G on the plus strand (G>C on the coding strand, the complement: MUTYH is on the minus strand). VCF-style: chr1-45333448-C-G. GRCh37 (hg19) VCF-style: chr1-45799120-C-G.
Other names: c.229G>C, p.Asp77His (NM_001048171.2, NM_001048173.2, NM_001293195.2); c.232G>C, p.Asp78His (NM_001048172.2); c.313G>C, p.Asp105His (NM_001128425.2); c.274G>C, p.Asp92His (NM_001293190.2); c.262G>C, p.Asp88His (NM_001293191.2); c.-48G>C (NM_001293192.2, NM_001293196.2); c.-43G>C (NM_001350650.2, NM_001350651.2); c.304G>C, p.Asp102His (NM_012222.3); short protein forms D102H, D78H, D88H, D77H, D92H, D105H.
Identifiers: ClinVar variation 951874 (VCV000951874.12), dbSNP rs587780746, ClinGen allele CA21839659.